The following is an entry in ClinVar:

NM_001032283.3(TMPO):c.464A>G (p.Glu155Gly)

Gene: TMPO (thymopoietin; plus strand). Cytogenetic location: 12q23.1.
Variant type: single nucleotide variant.
Coding change: c.464A>G on transcript NM_001032283.3 (MANE Select); coding-DNA position 464, A replaced by G.
Protein change: p.Glu155Gly; replaces glutamic acid 155 with glycine.
Molecular consequence: missense variant.
Genome position (GRCh38, 1-based): chr12:98,531,737, A>G. VCF-style: chr12-98531737-A-G. GRCh37 (hg19) VCF-style: chr12-98925515-A-G.
Other names: c.464A>G, p.Glu155Gly (NM_001032284.3, NM_001307975.2, NM_003276.2); short protein forms E155G.
Identifiers: ClinVar variation 1742165 (VCV001742165.2), dbSNP rs778155516, ClinGen allele CA6732209.

ClinVar aggregate classification (germline): Uncertain significance (1 of 4 stars; one submission).

Allele frequency attached by ClinVar (database versions not stated): ExAC 0.00001.

Submission:

Ambry Genetics
Classification: Uncertain significance. Last evaluated: 2022-09-13. Review status: criteria provided, single submitter. Criteria: Ambry Variant Classification Scheme 2023. Collection method: clinical testing. Allele origin: germline.
Comment: The p.E155G variant (also known as c.464A>G), located in coding exon 3 of the TMPO gene, results from an A to G substitution at nucleotide position 464. The glutamic acid at codon 155 is replaced by glycine, an amino acid with similar properties. This amino acid position is conserved. In addition, this alteration is predicted to be tolerated by in silico analysis. Since supporting evidence is limited at this time, the clinical significance of this alteration remains unclear.